The following is an entry in ClinVar:

NM_001142864.4(PIEZO1):c.6108G>T (p.Ala2036=)

Gene: PIEZO1 (piezo type mechanosensitive ion channel component 1 (Er blood group); minus strand). Cytogenetic location: 16q24.3.
Variant type: single nucleotide variant.
Coding change: c.6108G>T on transcript NM_001142864.4 (MANE Select); coding-DNA position 6108, G replaced by T.
Protein change: p.Ala2036=; no amino-acid change (alanine 2036 retained).
Molecular consequence: synonymous variant.
Genome position (GRCh38, 1-based): chr16:88,720,125, C>A on the plus strand (G>T on the coding strand, the complement: PIEZO1 is on the minus strand). VCF-style: chr16-88720125-C-A. GRCh37 (hg19) VCF-style: chr16-88786533-C-A.
Other names: p.Ala2036=; c.6108G>T (NM_001142864.3); c.4650G>T, p.Ala1550= (NM_014745.1).
Identifiers: ClinVar variation 2920822 (VCV002920822.18), dbSNP rs775806041, ClinGen allele CA8231713.

ClinVar aggregate classification (germline): Likely benign. Review status: criteria provided, multiple submitters, no conflicts (2 of 4 stars). 4 submissions from 4 submitters: Likely benign (3). 1 of the submissions does not count toward it. Last evaluated 2025-05-13.

Conditions:
PIEZO1-related disorder. Also called: PIEZO1-related condition; PIEZO1-Related Disorders.

Submissions (4):

Mayo Clinic Laboratories, Mayo Clinic
Classification: Likely benign. Last evaluated: 2025-05-13. Review status: criteria provided, single submitter. Criteria: ACMG Guidelines, 2015. Collection method: clinical testing. Allele origin: germline. Observed: 1 variant allele.
Comment: BP4, BP7

CeGaT Center for Human Genetics Tuebingen
Classification: Likely benign. Last evaluated: 2024-09-01. Review status: criteria provided, single submitter. Criteria: CeGaT Center For Human Genetics Tuebingen Variant Classification Criteria Version 2. Collection method: clinical testing. Allele origin: germline. Affected: yes. Observed: 1 variant allele.
Comment: PIEZO1: BP4, BP7

ARUP Laboratories, Molecular Genetics and Genomics, ARUP Laboratories
Classification: Likely benign. Last evaluated: 2023-05-13. Review status: criteria provided, single submitter. Criteria: ARUP Molecular Germline Variant Investigation Process 2024. Collection method: clinical testing. Allele origin: germline.

PreventionGenetics, part of Exact Sciences
Classification: Likely benign for PIEZO1-related condition. Last evaluated: 2021-05-03. Review status: no assertion criteria provided. Collection method: clinical testing. Allele origin: germline. Not counted in ClinVar's aggregate classification.
Comment: This variant is classified as likely benign based on ACMG/AMP sequence variant interpretation guidelines (Richards et al. 2015 PMID: 25741868, with internal and published modifications).